The following is an entry in ClinVar:

NM_005120.3(MED12):c.4880G>A (p.Arg1627His)

Gene: MED12 (mediator complex subunit 12; plus strand). Cytogenetic location: Xq13.1.
Variant type: single nucleotide variant.
Coding change: c.4880G>A on transcript NM_005120.3 (MANE Select); coding-DNA position 4880, G replaced by A.
Protein change: p.Arg1627His; replaces arginine 1627 with histidine.
Molecular consequence: missense variant.
Genome position (GRCh38, 1-based): chrX:71,135,108, G>A. VCF-style: chrX-71135108-G-A. GRCh37 (hg19) VCF-style: chrX-70354958-G-A.
Other names: short protein forms R1627H.
Identifiers: ClinVar variation 426211 (VCV000426211.15), dbSNP rs759857680, ClinGen allele CA10444723.

ClinVar aggregate classification (germline): Conflicting classifications of pathogenicity. Review status: criteria provided, conflicting classifications (1 of 4 stars). 3 submissions from 3 submitters: Uncertain significance (2); Benign (1). Last evaluated 2025-12-25.

Conditions:
FG syndrome (FGS). Identifiers: MedGen C0220769, MONDO:0002010.
Familial thoracic aortic aneurysm and aortic dissection (TAAD). Also called: Thoracic aortic aneurysms and dissections. Identifiers: Orphanet 91387, MedGen C4707243, MONDO:0019625.

Allele frequency attached by ClinVar (database versions not stated): ExAC 0.00001; gnomAD exomes 0.00001 and 0.00002; TOPMed 0.00003; gnomAD 0.00005.
gnomAD v4.1: 18 of 1,208,992 alleles (0.0015%); highest among the groups gnomAD compares: African/African-American, 0.0053%; no homozygotes.

Submissions (3):

Labcorp Genetics (formerly Invitae), Labcorp
Classification: Benign for FG syndrome. Last evaluated: 2025-12-25. Review status: criteria provided, single submitter. Criteria: Invitae Variant Classification Sherloc (09022015). Collection method: clinical testing. Allele origin: germline.

Ambry Genetics
Classification: Uncertain significance for Familial thoracic aortic aneurysm and aortic dissection. Last evaluated: 2025-07-06. Review status: criteria provided, single submitter. Criteria: Ambry Variant Classification Scheme 2023. Collection method: clinical testing. Allele origin: germline.
Comment: The p.R1627H variant (also known as c.4880G>A), located in coding exon 36 of the MED12 gene, results from a G to A substitution at nucleotide position 4880. The arginine at codon 1627 is replaced by histidine, an amino acid with highly similar properties. This amino acid position is conserved. In addition, this alteration is predicted to be tolerated by in silico analysis. Based on the available evidence, the clinical significance of this variant remains unclear.

GeneDx
Classification: Uncertain significance. Last evaluated: 2025-05-15. Review status: criteria provided, single submitter. Criteria: GeneDx Variant Classification Process June 2021. Collection method: clinical testing. Allele origin: germline. Affected: yes.
Comment: In silico analysis supports that this missense variant has a deleterious effect on protein structure/function; Has not been previously published as pathogenic or benign to our knowledge